The following is an entry in ClinVar:

NM_000179.3(MSH6):c.428T>C (p.Val143Ala)

Gene: MSH6 (mutS homolog 6; plus strand). Cytogenetic location: 2p16.3.
Variant type: single nucleotide variant.
Coding change: c.428T>C on transcript NM_000179.3 (MANE Select); coding-DNA position 428, T replaced by C.
Protein change: p.Val143Ala; replaces valine 143 with alanine.
Molecular consequence: missense variant. On other transcripts: 5 prime UTR variant (2), intron variant (1).
Genome position (GRCh38, 1-based): chr2:47,791,094, T>C. VCF-style: chr2-47791094-T-C. GRCh37 (hg19) VCF-style: chr2-48018233-T-C.
Other names: c.-309T>C (NM_001281493.2, NM_001406811.1, NM_001406823.1 and 1 more transcripts); c.-475T>C (NM_001281494.2); c.524T>C, p.Val175Ala (NM_001406795.1, NM_001406802.1); c.428T>C, p.Val143Ala (NM_001406796.1, NM_001406798.1, NM_001406800.1 and 6 more transcripts); c.131T>C, p.Val44Ala (NM_001406797.1, NM_001406801.1, NM_001406805.1 and 10 more transcripts); c.350T>C, p.Val117Ala (NM_001406804.1); c.-501T>C (NM_001406807.1); c.-567T>C (NM_001406814.1); and 2 more; short protein forms V117A, V87A, V143A, V175A, V44A.
Identifiers: ClinVar variation 1739423 (VCV001739423.4), dbSNP rs1324188451, ClinGen allele CA346737151.

ClinVar aggregate classification (germline): Uncertain significance. Review status: criteria provided, multiple submitters, no conflicts (2 of 4 stars). 2 submissions from 2 submitters: Uncertain significance (2). Last evaluated 2024-03-02.

Conditions:
Hereditary nonpolyposis colorectal neoplasms. Identifiers: MedGen C0009405, MeSH D003123.
Hereditary cancer-predisposing syndrome. Also called: Hereditary Cancer Syndrome; Hereditary neoplastic syndrome; Neoplastic Syndromes, Hereditary; Tumor predisposition. Identifiers: Orphanet 140162, MedGen C0027672, MeSH D009386, MONDO:0015356.

Allele frequency attached by ClinVar (database versions not stated): TOPMed below 0.00001.

Submissions (2):

Labcorp Genetics (formerly Invitae), Labcorp
Classification: Uncertain significance for Hereditary nonpolyposis colorectal neoplasms. Last evaluated: 2024-03-02. Review status: criteria provided, single submitter. Criteria: Invitae Variant Classification Sherloc (09022015). Collection method: clinical testing. Allele origin: germline.
Comment: This sequence change replaces valine, which is neutral and non-polar, with alanine, which is neutral and non-polar, at codon 143 of the MSH6 protein (p.Val143Ala). This variant is not present in population databases (gnomAD no frequency). This variant has not been reported in the literature in individuals affected with MSH6-related conditions. ClinVar contains an entry for this variant (Variation ID: 1739423). Advanced modeling of protein sequence and biophysical properties (such as structural, functional, and spatial information, amino acid conservation, physicochemical variation, residue mobility, and thermodynamic stability) performed at Invitae indicates that this missense variant is not expected to disrupt MSH6 protein function with a negative predictive value of 95%. In summary, the available evidence is currently insufficient to determine the role of this variant in disease. Therefore, it has been classified as a Variant of Uncertain Significance.

Ambry Genetics
Classification: Uncertain significance for Hereditary cancer-predisposing syndrome. Last evaluated: 2021-11-19. Review status: criteria provided, single submitter. Criteria: Ambry Variant Classification Scheme 2023. Collection method: clinical testing. Allele origin: germline.
Comment: The p.V143A variant (also known as c.428T>C), located in coding exon 2 of the MSH6 gene, results from a T to C substitution at nucleotide position 428. The valine at codon 143 is replaced by alanine, an amino acid with similar properties. This amino acid position is highly conserved in available vertebrate species. In addition, the in silico prediction for this alteration is inconclusive. Since supporting evidence is limited at this time, the clinical significance of this alteration remains unclear.